The following is an entry in ClinVar:

NM_000138.5(FBN1):c.7903G>T (p.Ala2635Ser)

Gene: FBN1 (fibrillin 1; minus strand). Cytogenetic location: 15q21.1.
Variant type: single nucleotide variant.
Coding change: c.7903G>T on transcript NM_000138.5 (MANE Select); coding-DNA position 7903, G replaced by T.
Protein change: p.Ala2635Ser; replaces alanine 2635 with serine.
Molecular consequence: missense variant.
Genome position (GRCh38, 1-based): chr15:48,415,684, C>A on the plus strand (G>T on the coding strand, the complement: FBN1 is on the minus strand). VCF-style: chr15-48415684-C-A. GRCh37 (hg19) VCF-style: chr15-48707881-C-A.
Other names: c.7903G>T, p.Ala2635Ser (NM_001406716.1); short protein forms A2635S.
Identifiers: ClinVar variation 3763971 (VCV003763971.2).

ClinVar aggregate classification (germline): Uncertain significance (1 of 4 stars; one submission).

Conditions:
Marfan syndrome (MFS). Also called: MARFAN SYNDROME, TYPE I; Marfan syndrome type 1; Marfan's syndrome; Marfan syndrome, classic; FBN1-Related Marfan Syndrome. Identifiers: Orphanet 284963, Orphanet 558, MedGen C0024796, MONDO:0007947, OMIM 154700.
Familial thoracic aortic aneurysm and aortic dissection (TAAD). Also called: Thoracic aortic aneurysms and dissections. Identifiers: Orphanet 91387, MedGen C4707243, MONDO:0019625.

Submission:

Labcorp Genetics (formerly Invitae), Labcorp
Classification: Uncertain significance for Marfan syndrome; Familial thoracic aortic aneurysm and aortic dissection. Last evaluated: 2024-04-04. Review status: criteria provided, single submitter. Criteria: Invitae Variant Classification Sherloc (09022015). Collection method: clinical testing. Allele origin: germline.
Comment: This sequence change replaces alanine, which is neutral and non-polar, with serine, which is neutral and polar, at codon 2635 of the FBN1 protein (p.Ala2635Ser). This variant is not present in population databases (gnomAD no frequency). This variant has not been reported in the literature in individuals affected with FBN1-related conditions. Advanced modeling of protein sequence and biophysical properties (such as structural, functional, and spatial information, amino acid conservation, physicochemical variation, residue mobility, and thermodynamic stability) performed at Invitae indicates that this missense variant is not expected to disrupt FBN1 protein function with a negative predictive value of 95%. In summary, the available evidence is currently insufficient to determine the role of this variant in disease. Therefore, it has been classified as a Variant of Uncertain Significance.